The following is an entry in ClinVar:

NM_004006.3(DMD):c.418del (p.Leu140fs)

Gene: DMD (dystrophin; minus strand). Cytogenetic location: Xp21.1.
Variant type: Deletion.
Coding change: c.418del on transcript NM_004006.3 (MANE Select); coding-DNA position 418, one base deleted (C; older notation c.418delC).
Protein change: p.Leu140fs; shifts the reading frame from leucine 140.
Molecular consequence: frameshift variant.
Genome position (GRCh38, 1-based): chrX:32,816,580, G deleted on the plus strand (C on the coding strand, the reverse complement: DMD is on the minus strand). VCF-style (leftmost placement, unchanged base first): chrX-32816579-AG-A. GRCh37 (hg19) VCF-style: chrX-32834696-AG-A.
Other names: c.394del, p.Leu132fs (NM_000109.4); c.406del, p.Leu136fs (NM_004009.3); c.49del, p.Leu17fs (NM_004010.3); short protein forms L132fs, L136fs, L140fs, L17fs.
Identifiers: ClinVar variation 1069704 (VCV001069704.9), dbSNP rs2148807197, ClinGen allele CA2499226665.

ClinVar aggregate classification (germline): Pathogenic (1 of 4 stars; one submission).

Conditions:
Duchenne muscular dystrophy (DMD). Also called: MUSCULAR DYSTROPHY, PSEUDOHYPERTROPHIC PROGRESSIVE, DUCHENNE TYPE; Duchenne Muscular Dystrophy (DMD). Identifiers: Orphanet 98896, MedGen C0013264, MONDO:0010679, OMIM 310200.

Submission:

Labcorp Genetics (formerly Invitae), Labcorp
Classification: Pathogenic for Duchenne muscular dystrophy. Last evaluated: 2022-07-06. Review status: criteria provided, single submitter. Criteria: Invitae Variant Classification Sherloc (09022015). Collection method: clinical testing. Allele origin: germline.
Comment: For these reasons, this variant has been classified as Pathogenic. ClinVar contains an entry for this variant (Variation ID: 1069704). This premature translational stop signal has been observed in individuals with Duchenne muscular dystrophy (PMID: 28318817). This variant is not present in population databases (gnomAD no frequency). This sequence change creates a premature translational stop signal (p.Leu140Serfs*2) in the DMD gene. It is expected to result in an absent or disrupted protein product. Loss-of-function variants in DMD are known to be pathogenic (PMID: 16770791, 25007885).

Literature cited by the submitters: PubMed 28318817; PubMed 16770791; PubMed 25007885.